The following is an entry in ClinVar:

ClinVar aggregate classification (germline): Likely benign (1 of 4 stars; one submission).

Allele frequency attached by ClinVar (database versions not stated): ESP Exome Variant Server 0.00015; TOPMed 0.00026; gnomAD 0.00031; gnomAD exomes 0.00039; ExAC 0.00061.
gnomAD v4.1: 604 of 1,608,746 alleles (0.038%); highest among the groups gnomAD compares: Non-Finnish European, 0.044%; no homozygotes.

Submission:

CeGaT Center for Human Genetics Tuebingen
Classification: Likely benign. Last evaluated: 2024-04-01. Review status: criteria provided, single submitter. Criteria: CeGaT Center For Human Genetics Tuebingen Variant Classification Criteria Version 2. Collection method: clinical testing. Allele origin: germline. Affected: yes. Observed: 3 variant alleles.
Comment: TTC5: BP4, BP7

NM_138376.3(TTC5):c.192C>G (p.Val64=)

Gene: TTC5 (tetratricopeptide repeat domain 5; minus strand). Cytogenetic location: 14q11.2.
Variant type: single nucleotide variant.
Coding change: c.192C>G on transcript NM_138376.3 (MANE Select); coding-DNA position 192, C replaced by G.
Protein change: p.Val64=; no amino-acid change (valine 64 retained).
Molecular consequence: synonymous variant.
Genome position (GRCh38, 1-based): chr14:20,300,811, G>C on the plus strand (C>G on the coding strand, the complement: TTC5 is on the minus strand). VCF-style: chr14-20300811-G-C. GRCh37 (hg19) VCF-style: chr14-20768970-G-C.
Identifiers: ClinVar variation 2644045 (VCV002644045.24), dbSNP rs373876927, ClinGen allele CA7077117.